The following is an entry in ClinVar:

NM_004991.4(MECOM):c.2197C>A (p.Leu733Met)

Gene: MECOM (MDS1 and EVI1 complex locus; minus strand). Cytogenetic location: 3q26.2.
Variant type: single nucleotide variant.
Coding change: c.2197C>A on transcript NM_004991.4 (MANE Select); coding-DNA position 2197, C replaced by A.
Protein change: p.Leu733Met; replaces leucine 733 with methionine.
Molecular consequence: missense variant.
Genome position (GRCh38, 1-based): chr3:169,115,675, G>T on the plus strand (C>A on the coding strand, the complement: MECOM is on the minus strand). VCF-style: chr3-169115675-G-T. GRCh37 (hg19) VCF-style: chr3-168833463-G-T.
Other names: c.1828C>A, p.Leu610Met (NM_001105077.4); c.1633C>A, p.Leu545Met (NM_001105078.4, NM_001164000.2, NM_001205194.2 and 4 more transcripts); c.1636C>A, p.Leu546Met (NM_001163999.2, NM_001366467.2, NM_001366468.2 and 1 more transcripts); c.2197C>A, p.Leu733Met (NM_001366466.2); c.1225C>A, p.Leu409Met (NM_001366473.2); c.661C>A, p.Leu221Met (NM_001366474.2); short protein forms L610M, L733M, L545M, L546M, L221M, L409M.
Identifiers: ClinVar variation 4053315 (VCV004053315.1).

ClinVar aggregate classification (germline): Uncertain significance (1 of 4 stars; one submission).

Conditions:
Inborn genetic diseases. Identifiers: MedGen C0950123, MeSH D030342.

Submission:

Ambry Genetics
Classification: Uncertain significance for Inborn genetic diseases. Last evaluated: 2025-06-02. Review status: criteria provided, single submitter. Criteria: Ambry Variant Classification Scheme 2023. Collection method: clinical testing. Allele origin: germline.
Comment: The p.L733M variant (also known as c.2197C>A), located in coding exon 8 of the MECOM gene, results from a C to A substitution at nucleotide position 2197. The leucine at codon 733 is replaced by methionine, an amino acid with highly similar properties. This amino acid position is conserved. In addition, this alteration is predicted to be tolerated by in silico analysis. Based on the available evidence, the clinical significance of this variant remains unclear.